The following is an entry in ClinVar:

NM_015662.3(IFT172):c.4227G>T (p.Leu1409=)

Gene: IFT172 (intraflagellar transport 172; minus strand). Cytogenetic location: 2p23.3.
Variant type: single nucleotide variant.
Coding change: c.4227G>T on transcript NM_015662.3 (MANE Select); coding-DNA position 4227, G replaced by T.
Protein change: p.Leu1409=; no amino-acid change (leucine 1409 retained).
Molecular consequence: synonymous variant.
Genome position (GRCh38, 1-based): chr2:27,449,378, C>A on the plus strand (G>T on the coding strand, the complement: IFT172 is on the minus strand). VCF-style: chr2-27449378-C-A. GRCh37 (hg19) VCF-style: chr2-27672245-C-A.
Other names: c.4161G>T, p.Leu1387= (NM_001410739.1); c.4227G>T (NM_015662.2).
Identifiers: ClinVar variation 3905884 (VCV003905884.11).

ClinVar aggregate classification (germline): Likely benign. Review status: criteria provided, multiple submitters, no conflicts (2 of 4 stars). 2 submissions from 2 submitters: Likely benign (2). Last evaluated 2026-01-30.

Conditions:
IFT172-related disorder. Also called: IFT172-related condition; IFT172-related disorders.

gnomAD v4.1: 4 of 1,614,160 alleles (0.00025%); highest among the groups gnomAD compares: African/African-American, 0.0013%; no homozygotes.

Submissions (2):

PreventionGenetics, part of Exact Sciences
Classification: Likely benign for IFT172-related condition. Last evaluated: 2026-01-30. Review status: criteria provided, single submitter. Criteria: ACMG Guidelines, 2015. Collection method: clinical testing. Allele origin: germline.
Comment: This variant is classified as likely benign based on ACMG/AMP sequence variant interpretation guidelines (Richards et al. 2015 PMID: 25741868, with internal and published modifications).

CeGaT Center for Human Genetics Tuebingen
Classification: Likely benign. Last evaluated: 2025-05-01. Review status: criteria provided, single submitter. Criteria: CeGaT Center For Human Genetics Tuebingen Variant Classification Criteria Version 2. Collection method: clinical testing. Allele origin: germline. Affected: yes. Observed: 1 variant allele.
Comment: IFT172: BP4, BP7